The following is an entry in ClinVar:

NM_006231.4(POLE):c.626A>G (p.Lys209Arg)

Gene: POLE (DNA polymerase epsilon, catalytic subunit; minus strand). Cytogenetic location: 12q24.33.
Variant type: single nucleotide variant.
Coding change: c.626A>G on transcript NM_006231.4 (MANE Select); coding-DNA position 626, A replaced by G.
Protein change: p.Lys209Arg; replaces lysine 209 with arginine.
Molecular consequence: missense variant.
Genome position (GRCh38, 1-based): chr12:132,677,672, T>C on the plus strand (A>G on the coding strand, the complement: POLE is on the minus strand). VCF-style: chr12-132677672-T-C. GRCh37 (hg19) VCF-style: chr12-133254258-T-C.
Other names: c.626A>G (NM_006231.2); short protein forms K209R.
Identifiers: ClinVar variation 1697427 (VCV001697427.8), dbSNP rs754559038, ClinGen allele CA6894250.

ClinVar aggregate classification (germline): Conflicting classifications of pathogenicity. Review status: criteria provided, conflicting classifications (1 of 4 stars). 3 submissions from 3 submitters: Uncertain significance (2); Likely benign (1). Last evaluated 2025-03-04.

Conditions:
Hereditary cancer-predisposing syndrome. Also called: Hereditary neoplastic syndrome; Tumor predisposition; Neoplastic Syndromes, Hereditary; Hereditary Cancer Syndrome. Identifiers: Orphanet 140162, MedGen C0027672, MeSH D009386, MONDO:0015356.
Colorectal cancer, susceptibility to, 12 (CRCS12). Also called: COLORECTAL CANCER, SUSCEPTIBILITY TO, ON CHROMOSOME 12q24. Identifiers: Orphanet 220460, MedGen C3554460, MONDO:0014038, OMIM 615083.

Allele frequency attached by ClinVar (database versions not stated): ExAC 0.00001; gnomAD exomes 0.00001 and 0.00002.
gnomAD v4.1: 9 of 1,614,182 alleles (0.00056%); highest among the groups gnomAD compares: South Asian, 0.0099%; no homozygotes.

Submissions (3):

Center for Genomic Medicine, Rigshospitalet, Copenhagen University Hospital
Classification: Uncertain significance. Last evaluated: 2025-03-04. Review status: criteria provided, single submitter. Criteria: ACMG Guidelines, 2015. Collection method: clinical testing. Allele origin: germline.

Ambry Genetics
Classification: Likely benign for Hereditary cancer-predisposing syndrome. Last evaluated: 2024-10-17. Review status: criteria provided, single submitter. Criteria: Ambry Variant Classification Scheme 2023. Collection method: clinical testing. Allele origin: germline.

Neuberg Centre For Genomic Medicine, NCGM
Classification: Uncertain significance for Colorectal cancer, susceptibility to, 12. Review status: criteria provided, single submitter. Criteria: ACMG Guidelines, 2015. Collection method: clinical testing. Allele origin: germline. Inheritance: Autosomal dominant inheritance. Affected: yes.
Comment: The missense c.626A>G (p.Lys209Arg) variant in POLE gene has not been reported previously as a pathogenic variant nor as a benign variant, to our knowledge. The variant is observed in 0.0001% alleles in gnomAD Exomes and is novel (not in any individuals) in 1000 Genomes. The amino acid Lys at position 209 is changed to a Arg changing protein sequence and it might alter its composition and physico-chemical properties. The amino acid change p.Lys209Arg in POLE is predicted as conserved by GERP++ and PhyloP across 100 vertebrates. For these reasons, this variant has been classified as Uncertain significance